The following is an entry in ClinVar:

ClinVar aggregate classification (germline): Uncertain significance (1 of 4 stars; one submission).

Conditions:
Malignant hyperthermia, susceptibility to, 5 (MHS5). Also called: CACNA1S-Related Malignant Hyperthermia Susceptibility. Identifiers: Orphanet 423, MedGen C1866077, MONDO:0011163, OMIM 601887.

Allele frequency attached by ClinVar (database versions not stated): gnomAD exomes 0.00001.
gnomAD v4.1: 3 of 1,613,328 alleles (0.00019%); highest among the groups gnomAD compares: Non-Finnish European, 0.00025%; no homozygotes.

Submission:

All of Us Research Program, National Institutes of Health
Classification: Uncertain significance for Malignant hyperthermia, susceptibility to, 5. Last evaluated: 2023-08-15. Review status: criteria provided, single submitter. Criteria: ACMG Guidelines, 2015. Collection method: clinical testing. Allele origin: germline. Inheritance: Autosomal dominant inheritance. Observed: 1 variant allele, 1 heterozygote.
Comment: This study involves interpretation of variants in research participants for the purpose of population health screening. Participant phenotype was not available at the time of variant classification. Additional details can be found in publication PMID: 35346344, PMCID: PMC8962531

NM_000069.3(CACNA1S):c.1126A>G (p.Met376Val)

Gene: CACNA1S (calcium voltage-gated channel subunit alpha1 S; minus strand). Cytogenetic location: 1q32.1.
Variant type: single nucleotide variant.
Coding change: c.1126A>G on transcript NM_000069.3 (MANE Select); coding-DNA position 1126, A replaced by G.
Protein change: p.Met376Val; replaces methionine 376 with valine.
Molecular consequence: missense variant.
Genome position (GRCh38, 1-based): chr1:201,085,460, T>C on the plus strand (A>G on the coding strand, the complement: CACNA1S is on the minus strand). VCF-style: chr1-201085460-T-C. GRCh37 (hg19) VCF-style: chr1-201054588-T-C.
Other names: short protein forms M376V.
Identifiers: ClinVar variation 3072579 (VCV003072579.1), dbSNP rs909636417, ClinGen allele CA344128914.